The following is an entry in ClinVar:

ClinVar aggregate classification (germline): Uncertain significance. Review status: criteria provided, multiple submitters, no conflicts (2 of 4 stars). 2 submissions from 2 submitters: Uncertain significance (2). Last evaluated 2023-03-06.

Conditions:
Bent bone dysplasia syndrome 1 (BBDS1). Also called: FGFR2-related bent bone dysplasia. Identifiers: Orphanet 313855, MedGen C3281247, MONDO:0013815, OMIM 614592.
Familial scaphocephaly syndrome, McGillivray type. Also called: SCAPHOCEPHALY, MAXILLARY RETRUSION, AND IMPAIRED INTELLECTUAL DEVELOPMENT. Identifiers: Orphanet 168624, MedGen C1865070, MONDO:0012307, OMIM 609579.
Crouzon syndrome. Also called: CRANIOFACIAL DYSOSTOSIS, TYPE I; Craniofacial dysostosis type 1; Crouzon craniofacial dysostosis; Crouzon disease; Craniofacial dysostosis. Identifiers: Orphanet 207, MedGen C0010273, MeSH D003394, MONDO:0007405, OMIM 123500, HP:0004439.
Beare-Stevenson cutis gyrata syndrome (BSTVS). Identifiers: Orphanet 1555, MedGen C1852406, MONDO:0007412, OMIM 123790.
Antley-Bixler syndrome without genital anomalies or disordered steroidogenesis (ABS2). Also called: MULTISYNOSTOTIC OSTEODYSGENESIS WITH LONG BONE FRACTURES; Antley-Bixler Syndrome, Autosomal Dominant; Trapezoidocephaly synostosis syndrome; Osteodysgenesis, multisynostotic with fractures. Identifiers: Orphanet 596008, Orphanet 83, MedGen C2936791, MONDO:0020667, OMIM 207410.
Jackson-Weiss syndrome (JWS). Also called: CRANIOSYNOSTOSIS, MIDFACIAL HYPOPLASIA, AND FOOT ABNORMALITIES. Identifiers: Orphanet 1540, MedGen C0795998, MONDO:0007400, OMIM 123150. Disease mechanism: loss of function.
Pfeiffer syndrome (ACS5). Also called: ACS V. Identifiers: Orphanet 710, MedGen C0220658, MONDO:0007043, OMIM 101600.
Acrocephalosyndactyly type I (ACS1). Also called: Acrocephalo-syndactyly type 1; ACS 1; Syndactylic oxycephaly; Apert syndrome. Identifiers: Orphanet 87, MedGen C0001193, MONDO:0007041, OMIM 101200.
Saethre-Chotzen syndrome (SCS). Also called: ACROCEPHALY, SKULL ASYMMETRY, AND MILD SYNDACTYLY; ACS III; CHOTZEN SYNDROME. Identifiers: Orphanet 794, MedGen C0175699, MONDO:0007042, OMIM 101400.
Levy-Hollister syndrome (LADD). Also called: LADD syndrome. Identifiers: Orphanet 2363, MedGen C0265269, MONDO:0007872.
Gastric cancer. Also called: Malignant tumor of stomach; Stomach cancer. Identifiers: MedGen C0024623, MeSH D013274, MONDO:0001056, OMIM 613659, HP:0012126.

Allele frequency attached by ClinVar (database versions not stated): gnomAD exomes below 0.00001; ExAC 0.00001; gnomAD 0.00003.

Submissions (2):

GeneDx
Classification: Uncertain significance. Last evaluated: 2023-03-06. Review status: criteria provided, single submitter. Criteria: GeneDx Variant Classification Process June 2021. Collection method: clinical testing. Allele origin: germline. Affected: yes.
Comment: In silico analysis supports that this missense variant does not alter protein structure/function; Has not been previously published as pathogenic or benign to our knowledge

Fulgent Genetics
Classification: Uncertain significance for Acrocephalosyndactyly type I; Saethre-Chotzen syndrome; Pfeiffer syndrome; Jackson-Weiss syndrome; Crouzon syndrome; Beare-Stevenson cutis gyrata syndrome; LADD syndrome 1; Antley-Bixler syndrome without genital anomalies or disordered steroidogenesis; Familial scaphocephaly syndrome, McGillivray type; Gastric cancer; Bent bone dysplasia syndrome 1. Last evaluated: 2022-04-08. Review status: criteria provided, single submitter. Criteria: ACMG Guidelines, 2015. Collection method: clinical testing. Allele origin: unknown.

NM_000141.5(FGFR2):c.362T>C (p.Met121Thr)

Gene: FGFR2 (fibroblast growth factor receptor 2; minus strand). Cytogenetic location: 10q26.13.
Variant type: single nucleotide variant.
Coding change: c.362T>C on transcript NM_000141.5 (MANE Select); coding-DNA position 362, T replaced by C.
Protein change: p.Met121Thr; replaces methionine 121 with threonine.
Molecular consequence: missense variant. On other transcripts: intron variant (9).
Genome position (GRCh38, 1-based): chr10:121,565,452, A>G on the plus strand (T>C on the coding strand, the complement: FGFR2 is on the minus strand). VCF-style: chr10-121565452-A-G. GRCh37 (hg19) VCF-style: chr10-123324966-A-G.
Other names: c.362T>C, p.Met121Thr (NM_001144913.1, NM_001144914.1, NM_001144917.2 and 3 more transcripts); c.110-13993T>C (NM_001144918.2, NM_001441091.1, NM_001441090.1 and 1 more transcripts); c.110-873T>C (NM_001441089.1, NM_023029.3, NM_001441088.1 and 2 more transcripts); short protein forms M121T.
Identifiers: ClinVar variation 1193382 (VCV001193382.4), dbSNP rs748322657, ClinGen allele CA5721172.